The following is an entry in ClinVar:

NM_000426.4(LAMA2):c.6993-266C>T

Gene: LAMA2 (laminin subunit alpha 2; plus strand). Cytogenetic location: 6q22.33.
Variant type: single nucleotide variant.
Coding change: c.6993-266C>T on transcript NM_000426.4 (MANE Select); 266 bases into the intron before coding-DNA position 6993, C replaced by T.
Molecular consequence: intron variant.
Genome position (GRCh38, 1-based): chr6:129,464,024, C>T. VCF-style: chr6-129464024-C-T. GRCh37 (hg19) VCF-style: chr6-129785169-C-T.
Other names: c.6993-266C>T (NM_001079823.2).
Identifiers: ClinVar variation 674208 (VCV000674208.1), dbSNP rs57996601, ClinGen allele CA146891151.

ClinVar aggregate classification (germline): Benign (1 of 4 stars; one submission).

Allele frequency attached by ClinVar (database versions not stated): TOPMed 0.01857; gnomAD 0.01549; 1000 Genomes Project 0.01837; 1000 Genomes Project 30x 0.01843.
gnomAD v4.1: 2,404 of 152,010 alleles (1.6%); highest among the groups gnomAD compares: African/African-American, 5.5%; 70 homozygotes.

Submission:

GeneDx
Classification: Benign. Last evaluated: 2018-06-19. Review status: criteria provided, single submitter. Criteria: GeneDx Variant Classification (06012015). Collection method: clinical testing. Allele origin: germline. Affected: yes.
Comment: This variant is considered likely benign or benign based on one or more of the following criteria: it is a conservative change, it occurs at a poorly conserved position in the protein, it is predicted to be benign by multiple in silico algorithms, and/or has population frequency not consistent with disease.